The following is an entry in ClinVar:

ClinVar aggregate classification (germline): Uncertain significance. Review status: criteria provided, multiple submitters, no conflicts (2 of 4 stars). 2 submissions from 2 submitters: Uncertain significance (2). Last evaluated 2026-09-09.

Conditions:
Hypertrophic cardiomyopathy. Also called: HYPERTROPHIC MYOCARDIOPATHY. Identifiers: Orphanet 217569, MedGen C0007194, MeSH D002312, MONDO:0005045, HP:0001639.

Allele frequency attached by ClinVar (database versions not stated): ExAC 0.00004; gnomAD exomes 0.00003 and 0.00004; gnomAD 0.00005; TOPMed 0.00004.
gnomAD v4.1: 51 of 1,613,718 alleles (0.0032%); highest among the groups gnomAD compares: East Asian, 0.0045%; no homozygotes.

Submissions (2):

Ambry Genetics
Classification: Uncertain significance. Last evaluated: 2026-09-09. Review status: criteria provided, single submitter. Criteria: Ambry Variant Classification Scheme 2023. Collection method: clinical testing. Allele origin: germline.

Labcorp Genetics (formerly Invitae), Labcorp
Classification: Uncertain significance for Hypertrophic cardiomyopathy. Last evaluated: 2025-09-10. Review status: criteria provided, single submitter. Criteria: Invitae Variant Classification Sherloc (09022015). Collection method: clinical testing. Allele origin: germline.
Comment: This sequence change replaces arginine, which is basic and polar, with histidine, which is basic and polar, at codon 973 of the MYOM1 protein (p.Arg973His). This variant is present in population databases (rs763991578, gnomAD 0.009%). This variant has not been reported in the literature in individuals affected with MYOM1-related conditions. ClinVar contains an entry for this variant (Variation ID: 1471223). Invitae Evidence Modeling of protein sequence and biophysical properties (such as structural, functional, and spatial information, amino acid conservation, physicochemical variation, residue mobility, and thermodynamic stability) has been performed for this missense variant. However, the output from this modeling did not meet the statistical confidence thresholds required to predict the impact of this variant on MYOM1 protein function. In summary, the available evidence is currently insufficient to determine the role of this variant in disease. Therefore, it has been classified as a Variant of Uncertain Significance.

NM_003803.4(MYOM1):c.2918G>A (p.Arg973His)

Gene: MYOM1 (myomesin 1; minus strand). Cytogenetic location: 18p11.31.
Variant type: single nucleotide variant.
Coding change: c.2918G>A on transcript NM_003803.4 (MANE Select); coding-DNA position 2918, G replaced by A.
Protein change: p.Arg973His; replaces arginine 973 with histidine.
Molecular consequence: missense variant.
Genome position (GRCh38, 1-based): chr18:3,126,774, C>T on the plus strand (G>A on the coding strand, the complement: MYOM1 is on the minus strand). VCF-style: chr18-3126774-C-T. GRCh37 (hg19) VCF-style: chr18-3126772-C-T.
Other names: c.2630G>A, p.Arg877His (NM_019856.2); short protein forms R973H, R877H.
Identifiers: ClinVar variation 1471223 (VCV001471223.10), dbSNP rs763991578, ClinGen allele CA8874495.
Genomic context (GRCh38, chr18:3,126,774, plus strand): 5'-TCACTGACAGCCTTGACATTGGCTTCTCTCCATTTTCCTGGTACCCCATCAATGACCTCG[C>T]GATAGTTCACATAATAGCCAGTAATTTCTGCCCCTCCAATCTTATCTGGTTGCTTCCATC-3'
Protein context (NP_003794.3, residues 963-983): AEITGYYVNY[Arg973His]EVIDGVPGKW